The following is an entry in ClinVar:

NM_020433.5(JPH2):c.1139C>T (p.Ala380Val)

Gene: JPH2 (junctophilin 2; minus strand). Cytogenetic location: 20q13.12.
Variant type: single nucleotide variant.
Coding change: c.1139C>T on transcript NM_020433.5 (MANE Select); coding-DNA position 1139, C replaced by T.
Protein change: p.Ala380Val; replaces alanine 380 with valine.
Molecular consequence: missense variant.
Genome position (GRCh38, 1-based): chr20:44,159,648, G>A on the plus strand (C>T on the coding strand, the complement: JPH2 is on the minus strand). VCF-style: chr20-44159648-G-A. GRCh37 (hg19) VCF-style: chr20-42788288-G-A.
Other names: short protein forms A380V.
Identifiers: ClinVar variation 1730603 (VCV001730603.2), dbSNP rs1216466447, ClinGen allele CA409092763.

ClinVar aggregate classification (germline): Uncertain significance (1 of 4 stars; one submission).

Conditions:
Cardiovascular phenotype. Identifiers: MedGen CN230736.

Allele frequency attached by ClinVar (database versions not stated): gnomAD 0.00001; TOPMed 0.00002.
gnomAD v4.1: 5 of 1,607,204 alleles (0.00031%); highest among the groups gnomAD compares: African/African-American, 0.0027%; no homozygotes.

Submission:

Ambry Genetics
Classification: Uncertain significance for Cardiovascular phenotype. Last evaluated: 2022-01-30. Review status: criteria provided, single submitter. Criteria: Ambry Variant Classification Scheme 2023. Collection method: clinical testing. Allele origin: germline.
Comment: The p.A380V variant (also known as c.1139C>T), located in coding exon 2 of the JPH2 gene, results from a C to T substitution at nucleotide position 1139. The alanine at codon 380 is replaced by valine, an amino acid with similar properties. This amino acid position is conserved. In addition, the in silico prediction for this alteration is inconclusive. Since supporting evidence is limited at this time, the clinical significance of this alteration remains unclear.